The following is an entry in ClinVar:

ClinVar aggregate classification (germline): Uncertain significance (1 of 4 stars; one submission).

Conditions:
Congenital muscular dystrophy due to integrin alpha-7 deficiency. Also called: MYOPATHY, CONGENITAL, DUE TO INTEGRIN ALPHA-7 DEFICIENCY; Congenital muscular dystrophy with integrin alpha-7 deficiency; Muscular dystrophy, congenital, due to ITGA7 deficiency. Identifiers: Orphanet 34520, MedGen C2750786, MONDO:0013177, OMIM 613204.

Submission:

GeneDx
Classification: Uncertain significance. Last evaluated: 2021-05-26. Review status: criteria provided, single submitter. Criteria: GeneDx Variant Classification Process June 2021. Collection method: clinical testing. Allele origin: germline. Affected: yes.
Comment: Not observed at significant frequency in large population cohorts (Lek et al., 2016); In silico analysis supports that this missense variant does not alter protein structure/function; Has not been previously published as pathogenic or benign to our knowledge

NM_002206.3(ITGA7):c.3349A>C (p.Ile1117Leu)

Gene: ITGA7 (integrin subunit alpha 7; minus strand). Cytogenetic location: 12q13.2.
Variant type: single nucleotide variant.
Coding change: c.3349A>C on transcript NM_002206.3 (MANE Select); coding-DNA position 3349, A replaced by C.
Protein change: p.Ile1117Leu; replaces isoleucine 1117 with leucine.
Molecular consequence: missense variant.
Genome position (GRCh38, 1-based): chr12:55,685,123, T>G on the plus strand (A>C on the coding strand, the complement: ITGA7 is on the minus strand). VCF-style: chr12-55685123-T-G. GRCh37 (hg19) VCF-style: chr12-56078907-T-G.
Other names: c.3361A>C, p.Ile1121Leu (NM_001144996.2); c.3070A>C, p.Ile1024Leu (NM_001144997.2); c.3022A>C, p.Ile1008Leu (NM_001367993.1); c.2005A>C, p.Ile669Leu (NM_001367994.1); c.3331A>C, p.Ile1111Leu (NM_001374465.1); c.3481A>C, p.Ile1161Leu (NM_001410977.1); c.3343A>C, p.Ile1115Leu (NM_001414029.1); c.3274A>C, p.Ile1092Leu (NM_001414030.1); and 5 more; short protein forms I1008L, I1117L, I1024L, I1121L, I669L, I1111L, I1161L, I1004L.
Identifiers: ClinVar variation 684476 (VCV000684476.4), dbSNP rs1482793424, ClinGen allele CA385180083.